The following is an entry in ClinVar:

ClinVar aggregate classification (germline): Uncertain significance (1 of 4 stars; one submission).

Submission:

Ambry Genetics
Classification: Uncertain significance. Last evaluated: 2022-03-01. Review status: criteria provided, single submitter. Criteria: Ambry Variant Classification Scheme 2023. Collection method: clinical testing. Allele origin: germline.
Comment: The p.F615L variant (also known as c.1845T>G), located in coding exon 18 of the KIF1B gene, results from a T to G substitution at nucleotide position 1845. The phenylalanine at codon 615 is replaced by leucine, an amino acid with highly similar properties. This amino acid position is conserved. In addition, this alteration is predicted to be deleterious by in silico analysis. Since supporting evidence is limited at this time, the clinical significance of this alteration remains unclear.

NM_001365951.3(KIF1B):c.1983T>G (p.Phe661Leu)

Gene: KIF1B (kinesin family member 1B; plus strand). Cytogenetic location: 1p36.22.
Variant type: single nucleotide variant.
Coding change: c.1983T>G on transcript NM_001365951.3 (MANE Select); coding-DNA position 1983, T replaced by G.
Protein change: p.Phe661Leu; replaces phenylalanine 661 with leucine.
Molecular consequence: missense variant.
Genome position (GRCh38, 1-based): chr1:10,297,018, T>G. VCF-style: chr1-10297018-T-G. GRCh37 (hg19) VCF-style: chr1-10357076-T-G.
Other names: c.1983T>G, p.Phe661Leu (NM_001365952.1); c.1845T>G, p.Phe615Leu (NM_001365953.1, NM_015074.3, NM_183416.4); short protein forms F661L, F615L.
Identifiers: ClinVar variation 1781241 (VCV001781241.2), dbSNP rs1650300630, ClinGen allele CA338317166.